The following is an entry in ClinVar:

NM_000368.5(TSC1):c.292A>G (p.Arg98Gly)

Gene: TSC1 (TSC complex subunit 1; minus strand). Cytogenetic location: 9q34.13.
Variant type: single nucleotide variant.
Coding change: c.292A>G on transcript NM_000368.5 (MANE Select); coding-DNA position 292, A replaced by G.
Protein change: p.Arg98Gly; replaces arginine 98 with glycine.
Molecular consequence: missense variant. On other transcripts: 5 prime UTR variant (1), intron variant (1).
Genome position (GRCh38, 1-based): chr9:132,925,658, T>C on the plus strand (A>G on the coding strand, the complement: TSC1 is on the minus strand). VCF-style: chr9-132925658-T-C. GRCh37 (hg19) VCF-style: chr9-135801045-T-C.
Other names: c.292A>G (NM_000368.4); c.292A>G, p.Arg98Gly (NM_001162426.2); c.-72A>G (NM_001362177.2); c.210+1543A>G (NM_001162427.2); short protein forms R98G.
Identifiers: ClinVar variation 1525077 (VCV001525077.10), dbSNP rs2132233857, ClinGen allele CA375374562.

ClinVar aggregate classification (germline): Uncertain significance. Review status: criteria provided, multiple submitters, no conflicts (2 of 4 stars). 2 submissions from 2 submitters: Uncertain significance (2). Last evaluated 2026-08-10.

Conditions:
Tuberous sclerosis 1 (TSC1). Identifiers: Orphanet 805, MedGen C1854465, MONDO:0008612, OMIM 191100.
Hereditary cancer-predisposing syndrome. Also called: Hereditary Cancer Syndrome; Tumor predisposition; Neoplastic Syndromes, Hereditary; Hereditary neoplastic syndrome. Identifiers: Orphanet 140162, MedGen C0027672, MeSH D009386, MONDO:0015356.

Allele frequency attached by ClinVar (database versions not stated): gnomAD exomes below 0.00001.
gnomAD v4.1: 1 of 1,614,224 alleles (0.000062%); highest among the groups gnomAD compares: Non-Finnish European, 0.000085%; no homozygotes.

Submissions (2):

Ambry Genetics
Classification: Uncertain significance for Hereditary cancer-predisposing syndrome. Last evaluated: 2026-08-10. Review status: criteria provided, single submitter. Criteria: Ambry Variant Classification Scheme 2023. Collection method: clinical testing. Allele origin: germline.
Comment: The p.R98G variant (also known as c.292A>G), located in coding exon 3 of the TSC1 gene, results from an A to G substitution at nucleotide position 292. The arginine at codon 98 is replaced by glycine, an amino acid with dissimilar properties. This amino acid position is highly conserved in available vertebrate species. In addition, this alteration is predicted to be deleterious by in silico analysis. Since supporting evidence is limited at this time, the clinical significance of this alteration remains unclear.

Labcorp Genetics (formerly Invitae), Labcorp
Classification: Uncertain significance for Tuberous sclerosis 1. Last evaluated: 2024-10-16. Review status: criteria provided, single submitter. Criteria: Invitae Variant Classification Sherloc (09022015). Collection method: clinical testing. Allele origin: germline.
Comment: This sequence change replaces arginine, which is basic and polar, with glycine, which is neutral and non-polar, at codon 98 of the TSC1 protein (p.Arg98Gly). This variant is not present in population databases (gnomAD no frequency). This variant has not been reported in the literature in individuals affected with TSC1-related conditions. ClinVar contains an entry for this variant (Variation ID: 1525077). Invitae Evidence Modeling of protein sequence and biophysical properties (such as structural, functional, and spatial information, amino acid conservation, physicochemical variation, residue mobility, and thermodynamic stability) indicates that this missense variant is not expected to disrupt TSC1 protein function with a negative predictive value of 95%. In summary, the available evidence is currently insufficient to determine the role of this variant in disease. Therefore, it has been classified as a Variant of Uncertain Significance.